The following is an entry in ClinVar:

ClinVar aggregate classification (germline): Likely pathogenic. Review status: criteria provided, single submitter (1 of 4 stars). 3 submissions from 3 submitters: Likely pathogenic (1). 2 of the submissions do not count toward it. Last evaluated 2025-05-08.

Conditions:
ABCA1-related disorder. Also called: ABCA1-related disorders; ABCA1-related condition. Identifiers: MedGen CN239173.
Tangier disease (TGD). Also called: HIGH DENSITY LIPOPROTEIN DEFICIENCY, TANGIER TYPE; HIGH DENSITY LIPOPROTEIN DEFICIENCY, TYPE 1; Cholesterol thesaurismosis. Identifiers: Orphanet 31150, MedGen C0039292, MONDO:0008783, OMIM 205400.

Allele frequency attached by ClinVar (database versions not stated): gnomAD 0.00001.
gnomAD v4.1: 4 of 1,613,678 alleles (0.00025%); highest among the groups gnomAD compares: Non-Finnish European, 0.00034%; no homozygotes.

Submissions (3):

GeneDx
Classification: Likely pathogenic. Last evaluated: 2025-05-08. Review status: criteria provided, single submitter. Criteria: GeneDx Variant Classification Process June 2021. Collection method: clinical testing. Allele origin: germline. Affected: yes.
Comment: Published functional studies demonstrate a damaging effect leading to low ApoA-I binding and significantly reduced phosphocholine and cholesterol efflux (PMID: 16873719, 24097981, 14701824); Not observed at significant frequency in large population cohorts (gnomAD); In silico analysis supports that this missense variant has a deleterious effect on protein structure/function; In silico analysis suggests this variant may impact gene splicing.; This variant is associated with the following publications: (PMID: 24097981, 37889183, 16873719, 14701824, 20880529, 10431236, 18776170, 14746569, 38052254, 31366948)

PreventionGenetics, part of Exact Sciences
Classification: Pathogenic for ABCA1-related condition. Last evaluated: 2023-12-31. Review status: no assertion criteria provided. Collection method: clinical testing. Allele origin: germline. Not counted in ClinVar's aggregate classification.
Comment: The ABCA1 c.4429T>C variant is predicted to result in the amino acid substitution p.Cys1477Arg. This variant has been reported in the heterozygous state in multiple individuals with high-density lipoprotein deficiency (reported as p.Cys1417Arg in Figure 3, Brooks-Wilson et al. 1999. PubMed ID: 10431236; Table 1, Candini et al. 2010. PubMed ID: 20880529) and it has also been reported in the compound heterozygous state in an individual with Tangier disease (Table 1, Haidar et al. 2003. PubMed ID: 14701824). This variant has not been reported in a large population database, indicating this variant is rare. In vitro experimental studies suggest this variant impacts ApoA1 binding, phosphocholine transport, and cholesterol transport (Figure 3, Singaraja et al. 2006. PubMed ID: 16873719; Quazi et al. 2013. PubMed ID: 24097981). An alternate nucleotide change at the same amino acid (p.Cys1477Phe), has been reported in multiple individuals with high-density lipoprotein deficiency (Table 3, Cohen et al. 2004. PubMed ID: 15297675; Table 1, Berge et al. 2010. PubMed ID: 20800056). The c.4429T>C (p.Cys1477Arg) variant is interpreted as pathogenic.

OMIM
Classification: Pathogenic for TANGIER DISEASE. Last evaluated: 1999-08-01. Review status: no assertion criteria provided. Collection method: literature only. Allele origin: germline. Not counted in ClinVar's aggregate classification.

Literature cited by the submitters: PubMed 10431236 (cited by OMIM).

NM_005502.4(ABCA1):c.4429T>C (p.Cys1477Arg)

Gene: ABCA1 (ATP binding cassette subfamily A member 1; minus strand). Cytogenetic location: 9q31.1.
Variant type: single nucleotide variant.
Coding change: c.4429T>C on transcript NM_005502.4 (MANE Select); coding-DNA position 4429, T replaced by C.
Protein change: p.Cys1477Arg; replaces cysteine 1477 with arginine.
Molecular consequence: missense variant.
Genome position (GRCh38, 1-based): chr9:104,806,276, A>G on the plus strand (T>C on the coding strand, the complement: ABCA1 is on the minus strand). VCF-style: chr9-104806276-A-G. GRCh37 (hg19) VCF-style: chr9-107568557-A-G.
Other names: C1417R; c.4429T>C (NM_005502.3); short protein forms C1477R.
Identifiers: ClinVar variation 9483 (VCV000009483.4), dbSNP rs137854494, ClinGen allele CA120477.
Genomic context (GRCh38, chr9:104,806,276, plus strand): 5'-CAATCACCCCCTGAAAGTGACTCACTTGTGGAGGAGGCAGCCCCCCTGCCCCTGGGGGAC[A>G]CACAGGCAGCATCTTCTTGATTTTGTCGCTGCTACACTGGCATGCAGGTGAAGGGTTCTG-3'
Protein context (NP_005493.2, residues 1467-1487): SDKIKKMLPV[Cys1477Arg]PPGAGGLPPP